The following is an entry in ClinVar:

ClinVar aggregate classification (germline): Likely pathogenic (1 of 4 stars; one submission).

Submission:

Labcorp Genetics (formerly Invitae), Labcorp
Classification: Likely pathogenic. Last evaluated: 2022-09-23. Review status: criteria provided, single submitter. Criteria: Invitae Variant Classification Sherloc (09022015). Collection method: clinical testing. Allele origin: germline.
Comment: In summary, the currently available evidence indicates that the variant is pathogenic, but additional data are needed to prove that conclusively. Therefore, this variant has been classified as Likely Pathogenic. This variant has not been reported in the literature in individuals affected with CFI-related conditions. This variant results in a copy number gain of the genomic region encompassing exon(s) 2 of the CFI gene. While the exact position of this variant cannot be determined from the data, sub-genic copy number gains are generally in tandem (PMID: 25640679). This variant is predicted to be out-of-frame, and may result in an absent or disrupted protein product. Loss-of-function variants in CFI are known to be pathogenic (PMID: 15917334, 16621965, 19065647, 20016463, 22710145).

Literature cited by the submitters: PubMed 25640679; PubMed 15917334; PubMed 16621965; PubMed 19065647; PubMed 20016463; PubMed 22710145.

NC_000004.11:g.(?_110687690)_(110688000_?)dup

Gene: CFI (complement factor I; minus strand). Cytogenetic location: 4q25.
Variant type: Duplication.
Identifiers: ClinVar variation 2422585 (VCV002422585.4).